The following is an entry in ClinVar:

ClinVar aggregate classification (germline): Likely benign. Review status: criteria provided, multiple submitters, no conflicts (2 of 4 stars). 4 submissions from 4 submitters: Likely benign (4). Last evaluated 2025-12-15.

Conditions:
ADGRV1-related disorder. Also called: ADGRV1-related condition; ADGRV1-related disorders.

Allele frequency attached by ClinVar (database versions not stated): gnomAD 0.00029; TOPMed 0.00029; ESP Exome Variant Server 0.00034.
gnomAD v4.1: 70 of 1,613,420 alleles (0.0043%); highest among the groups gnomAD compares: African/African-American, 0.063%; no homozygotes.

Submissions (4):

Labcorp Genetics (formerly Invitae), Labcorp
Classification: Likely benign. Last evaluated: 2025-12-15. Review status: criteria provided, single submitter. Criteria: Invitae Variant Classification Sherloc (09022015). Collection method: clinical testing. Allele origin: germline.

PreventionGenetics, part of Exact Sciences
Classification: Likely benign for ADGRV1-related condition. Last evaluated: 2025-07-02. Review status: criteria provided, single submitter. Criteria: ACMG Guidelines, 2015. Collection method: clinical testing. Allele origin: germline.
Comment: This variant is classified as likely benign based on ACMG/AMP sequence variant interpretation guidelines (Richards et al. 2015 PMID: 25741868, with internal and published modifications).

Blueprint Genetics
Classification: Likely benign. Last evaluated: 2024-03-07. Review status: criteria provided, single submitter. Criteria: ACMG Guidelines, 2015. Collection method: clinical testing. Allele origin: germline.

GeneDx
Classification: Likely benign. Last evaluated: 2019-07-02. Review status: criteria provided, single submitter. Criteria: GeneDx Variant Classification Process June 2021. Collection method: clinical testing. Allele origin: germline. Affected: yes.

NM_032119.4(ADGRV1):c.2109C>T (p.Thr703=)

Gene: ADGRV1 (adhesion G protein-coupled receptor V1; plus strand). Cytogenetic location: 5q14.3.
Variant type: single nucleotide variant.
Coding change: c.2109C>T on transcript NM_032119.4 (MANE Select); coding-DNA position 2109, C replaced by T.
Protein change: p.Thr703=; no amino-acid change (threonine 703 retained).
Molecular consequence: synonymous variant. On other transcripts: non-coding transcript variant (1).
Genome position (GRCh38, 1-based): chr5:90,637,817, C>T. VCF-style: chr5-90637817-C-T. GRCh37 (hg19) VCF-style: chr5-89933634-C-T.
Identifiers: ClinVar variation 742903 (VCV000742903.15), dbSNP rs377270367, ClinGen allele CA3338831.